The following is an entry in ClinVar:

NM_001367561.1(DOCK7):c.-26_-15dup

Genes: DOCK7 (dedicator of cytokinesis 7; minus strand), LOC129930655 (ATAC-STARR-seq lymphoblastoid silent region 946; plus strand). Cytogenetic location: 1p31.3.
Variant type: Duplication.
Coding change: c.-26_-15dup on transcript NM_001367561.1 (MANE Select); 26 bases upstream of the start codon through 15 bases upstream of the start codon, 12 bases duplicated (CCGCCGTCGCCG).
Molecular consequence: 5 prime UTR variant.
Genome position (GRCh38, 1-based): chr1:62,688,279-62,688,290, CGGCGACGGCGG duplicated on the plus strand (CCGCCGTCGCCG on the coding strand, the reverse complement: DOCK7 is on the minus strand); duplicating any 12 consecutive bases within chr1:62,688,279-62,688,295 gives the same sequence; the c. name uses the placement nearest the transcript's 3' end. VCF-style (leftmost placement, unchanged base first): chr1-62688278-A-ACGGCGACGGCGG. GRCh37 (hg19) VCF-style: chr1-63153949-A-ACGGCGACGGCGG.
Other names: c.-26_-15dup (NM_033407.4, NM_001271999.2, NM_001272000.2 and 3 more transcripts); c.-26_-15dup12 (NM_033407.4).
Identifiers: ClinVar variation 4535874 (VCV004535874.1).
Genomic context (GRCh38, chr1:62,688,278, plus strand): 5'-GATATTTACCTGCTGATCTTCTGGGCGAAGGCGCGGCGCTCGGCCATGGCTGCTGCGGCG[A>ACGGCGACGGCGG]CGGCGACGGCGGCGGCGGCTGCGGCGGGCCGGGTGCGGACCGGCGGGCGCGTGCCTCCTC-3'

ClinVar aggregate classification (germline): Uncertain significance (1 of 4 stars; one submission).

Submission:

Women's Health and Genetics/Laboratory Corporation of America, LabCorp
Classification: Uncertain significance. Last evaluated: 2025-09-03. Review status: criteria provided, single submitter. Criteria: LabCorp Variant Classification Summary - May 2015. Collection method: clinical testing. Allele origin: germline.
Comment: Variant summary: DOCK7 c.-26_-15dup12 is located in the untranslated mRNA region upstream of the initiation codon. The frequency data for this variant in gnomAD is considered unreliable, as metrics indicate poor data quality at this position. To our knowledge, no occurrence of c.-26_-15dup12 in individuals affected with DOCK7-related conditions and no experimental evidence demonstrating its impact on protein function have been reported. No submitters have cited clinical-significance assessments for this variant to ClinVar. Based on the evidence outlined above, the variant was classified as uncertain significance.